The following is an entry in ClinVar:

NM_000179.3(MSH6):c.704C>T (p.Thr235Ile)

Gene: MSH6 (mutS homolog 6; plus strand). Cytogenetic location: 2p16.3.
Variant type: single nucleotide variant.
Coding change: c.704C>T on transcript NM_000179.3 (MANE Select); coding-DNA position 704, C replaced by T.
Protein change: p.Thr235Ile; replaces threonine 235 with isoleucine.
Molecular consequence: missense variant. On other transcripts: 5 prime UTR variant (2).
Genome position (GRCh38, 1-based): chr2:47,798,687, C>T. VCF-style: chr2-47798687-C-T. GRCh37 (hg19) VCF-style: chr2-48025826-C-T.
Other names: c.314C>T, p.Thr105Ile (NM_001281492.2); c.-203C>T (NM_001281493.2, NM_001281494.2); short protein forms T235I, T105I.
Identifiers: ClinVar variation 491990 (VCV000491990.7), dbSNP rs1553412133, ClinGen allele CA346739977.

ClinVar aggregate classification (germline): Uncertain significance. Review status: criteria provided, multiple submitters, no conflicts (2 of 4 stars). 2 submissions from 2 submitters: Uncertain significance (2). Last evaluated 2023-12-07.

Conditions:
Hereditary cancer-predisposing syndrome. Also called: Hereditary neoplastic syndrome; Tumor predisposition; Hereditary Cancer Syndrome; Neoplastic Syndromes, Hereditary. Identifiers: Orphanet 140162, MedGen C0027672, MeSH D009386, MONDO:0015356.

Submissions (2):

Color Diagnostics, LLC DBA Color Health
Classification: Uncertain significance for Hereditary cancer-predisposing syndrome. Last evaluated: 2023-12-07. Review status: criteria provided, single submitter. Criteria: ACMG Guidelines, 2015. Collection method: clinical testing. Allele origin: germline.
Comment: This missense variant replaces threonine with isoleucine at codon 235 of the MSH6 protein. Computational prediction suggests that this variant may not impact protein structure and function (internally defined REVEL score threshold <= 0.5, PMID: 27666373). To our knowledge, functional studies have not been reported for this variant. This variant has not been reported in individuals affected with MSH6-related disorders in the literature. This variant has not been identified in the general population by the Genome Aggregation Database (gnomAD). The available evidence is insufficient to determine the role of this variant in disease conclusively. Therefore, this variant is classified as a Variant of Uncertain Significance.

Ambry Genetics
Classification: Uncertain significance for Hereditary cancer-predisposing syndrome. Last evaluated: 2019-12-18. Review status: criteria provided, single submitter. Criteria: Ambry Variant Classification Scheme 2023. Collection method: clinical testing. Allele origin: germline.
Comment: The p.T235I variant (also known as c.704C>T), located in coding exon 4 of the MSH6 gene, results from a C to T substitution at nucleotide position 704. The threonine at codon 235 is replaced by isoleucine, an amino acid with similar properties. This amino acid position is poorly conserved in available vertebrate species. In addition, this alteration is predicted to be tolerated by in silico analysis. Since supporting evidence is limited at this time, the clinical significance of this alteration remains unclear.